The following continues an entry in ClinVar:

NM_022356.4(P3H1):c.2055+17C>T

Gene: P3H1. ClinVar aggregate classification (germline): Benign. Benign (5).

Submissions 69 to 104 of 119:

Dr. Peter K. Rogan Lab, Western University
No classification provided (evidence only). Condition: Ovarian cancer. Review status: no classification provided. Collection method: in vitro. Allele origin: not applicable. Functional consequence: retained intron. Not counted in ClinVar's aggregate classification.

Dr. Peter K. Rogan Lab, Western University
No classification provided (evidence only). Condition: Ovarian cancer. Review status: no classification provided. Collection method: in vitro. Allele origin: not applicable. Functional consequence: retained intron. Not counted in ClinVar's aggregate classification.

Dr. Peter K. Rogan Lab, Western University
No classification provided (evidence only). Condition: Ovarian cancer. Review status: no classification provided. Collection method: in vitro. Allele origin: not applicable. Functional consequence: skipped exon, retained intron. Not counted in ClinVar's aggregate classification.

Dr. Peter K. Rogan Lab, Western University
No classification provided (evidence only). Condition: Thymoma. Review status: no classification provided. Collection method: in vitro. Allele origin: not applicable. Functional consequence: retained intron. Not counted in ClinVar's aggregate classification.

Dr. Peter K. Rogan Lab, Western University
No classification provided (evidence only). Condition: Thymoma. Review status: no classification provided. Collection method: in vitro. Allele origin: not applicable. Functional consequence: retained intron. Not counted in ClinVar's aggregate classification.

Dr. Peter K. Rogan Lab, Western University
No classification provided (evidence only). Condition: Thymoma. Review status: no classification provided. Collection method: in vitro. Allele origin: not applicable. Functional consequence: retained intron. Not counted in ClinVar's aggregate classification.

Dr. Peter K. Rogan Lab, Western University
No classification provided (evidence only). Condition: Cholangiocarcinoma. Review status: no classification provided. Collection method: in vitro. Allele origin: not applicable. Functional consequence: retained intron. Not counted in ClinVar's aggregate classification.

Dr. Peter K. Rogan Lab, Western University
No classification provided (evidence only). Condition: Cholangiocarcinoma. Review status: no classification provided. Collection method: in vitro. Allele origin: not applicable. Functional consequence: retained intron. Not counted in ClinVar's aggregate classification.

Dr. Peter K. Rogan Lab, Western University
No classification provided (evidence only). Condition: Cholangiocarcinoma. Review status: no classification provided. Collection method: in vitro. Allele origin: not applicable. Functional consequence: retained intron. Not counted in ClinVar's aggregate classification.

Dr. Peter K. Rogan Lab, Western University
No classification provided (evidence only). Condition: Cholangiocarcinoma. Review status: no classification provided. Collection method: in vitro. Allele origin: not applicable. Functional consequence: retained intron. Not counted in ClinVar's aggregate classification.

Dr. Peter K. Rogan Lab, Western University
No classification provided (evidence only). Condition: Cholangiocarcinoma. Review status: no classification provided. Collection method: in vitro. Allele origin: not applicable. Functional consequence: retained intron. Not counted in ClinVar's aggregate classification.

Dr. Peter K. Rogan Lab, Western University
No classification provided (evidence only). Condition: Cholangiocarcinoma. Review status: no classification provided. Collection method: in vitro. Allele origin: not applicable. Functional consequence: retained intron. Not counted in ClinVar's aggregate classification.

Dr. Peter K. Rogan Lab, Western University
No classification provided (evidence only). Condition: Adrenocortical carcinoma, hereditary. Review status: no classification provided. Collection method: in vitro. Allele origin: not applicable. Functional consequence: retained intron. Not counted in ClinVar's aggregate classification.

Dr. Peter K. Rogan Lab, Western University
No classification provided (evidence only). Condition: Adrenocortical carcinoma, hereditary. Review status: no classification provided. Collection method: in vitro. Allele origin: not applicable. Functional consequence: retained intron. Not counted in ClinVar's aggregate classification.

Dr. Peter K. Rogan Lab, Western University
No classification provided (evidence only). Condition: Adrenocortical carcinoma, hereditary. Review status: no classification provided. Collection method: in vitro. Allele origin: not applicable. Functional consequence: retained intron. Not counted in ClinVar's aggregate classification.

Dr. Peter K. Rogan Lab, Western University
No classification provided (evidence only). Condition: Adrenocortical carcinoma, hereditary. Review status: no classification provided. Collection method: in vitro. Allele origin: not applicable. Functional consequence: retained intron. Not counted in ClinVar's aggregate classification.

Dr. Peter K. Rogan Lab, Western University
No classification provided (evidence only). Condition: Adrenocortical carcinoma, hereditary. Review status: no classification provided. Collection method: in vitro. Allele origin: not applicable. Functional consequence: retained intron. Not counted in ClinVar's aggregate classification.

Dr. Peter K. Rogan Lab, Western University
No classification provided (evidence only). Condition: Adrenocortical carcinoma, hereditary. Review status: no classification provided. Collection method: in vitro. Allele origin: not applicable. Functional consequence: retained intron. Not counted in ClinVar's aggregate classification.

Dr. Peter K. Rogan Lab, Western University
No classification provided (evidence only). Condition: Adrenocortical carcinoma, hereditary. Review status: no classification provided. Collection method: in vitro. Allele origin: not applicable. Functional consequence: retained intron. Not counted in ClinVar's aggregate classification.

Dr. Peter K. Rogan Lab, Western University
No classification provided (evidence only). Condition: Adrenocortical carcinoma, hereditary. Review status: no classification provided. Collection method: in vitro. Allele origin: not applicable. Functional consequence: retained intron. Not counted in ClinVar's aggregate classification.

Dr. Peter K. Rogan Lab, Western University
No classification provided (evidence only). Condition: Adrenocortical carcinoma, hereditary. Review status: no classification provided. Collection method: in vitro. Allele origin: not applicable. Functional consequence: retained intron. Not counted in ClinVar's aggregate classification.

Dr. Peter K. Rogan Lab, Western University
No classification provided (evidence only). Condition: Uterine carcinosarcoma. Review status: no classification provided. Collection method: in vitro. Allele origin: not applicable. Functional consequence: retained intron. Not counted in ClinVar's aggregate classification.

Dr. Peter K. Rogan Lab, Western University
No classification provided (evidence only). Condition: Acute myeloid leukemia. Review status: no classification provided. Collection method: in vitro. Allele origin: not applicable. Functional consequence: retained intron. Not counted in ClinVar's aggregate classification.

Dr. Peter K. Rogan Lab, Western University
No classification provided (evidence only). Condition: Acute myeloid leukemia. Review status: no classification provided. Collection method: in vitro. Allele origin: not applicable. Functional consequence: retained intron. Not counted in ClinVar's aggregate classification.

Dr. Peter K. Rogan Lab, Western University
No classification provided (evidence only). Condition: Acute myeloid leukemia. Review status: no classification provided. Collection method: in vitro. Allele origin: not applicable. Functional consequence: retained intron. Not counted in ClinVar's aggregate classification.

Dr. Peter K. Rogan Lab, Western University
No classification provided (evidence only). Condition: Acute myeloid leukemia. Review status: no classification provided. Collection method: in vitro. Allele origin: not applicable. Functional consequence: retained intron. Not counted in ClinVar's aggregate classification.

Dr. Peter K. Rogan Lab, Western University
No classification provided (evidence only). Condition: Acute myeloid leukemia. Review status: no classification provided. Collection method: in vitro. Allele origin: not applicable. Functional consequence: retained intron. Not counted in ClinVar's aggregate classification.

Dr. Peter K. Rogan Lab, Western University
No classification provided (evidence only). Condition: Acute myeloid leukemia. Review status: no classification provided. Collection method: in vitro. Allele origin: not applicable. Functional consequence: retained intron. Not counted in ClinVar's aggregate classification.

Dr. Peter K. Rogan Lab, Western University
No classification provided (evidence only). Condition: Acute myeloid leukemia. Review status: no classification provided. Collection method: in vitro. Allele origin: not applicable. Functional consequence: retained intron. Not counted in ClinVar's aggregate classification.

Dr. Peter K. Rogan Lab, Western University
No classification provided (evidence only). Condition: Acute myeloid leukemia. Review status: no classification provided. Collection method: in vitro. Allele origin: not applicable. Functional consequence: retained intron. Not counted in ClinVar's aggregate classification.

Dr. Peter K. Rogan Lab, Western University
No classification provided (evidence only). Condition: Acute myeloid leukemia. Review status: no classification provided. Collection method: in vitro. Allele origin: not applicable. Functional consequence: retained intron. Not counted in ClinVar's aggregate classification.

Dr. Peter K. Rogan Lab, Western University
No classification provided (evidence only). Condition: Acute myeloid leukemia. Review status: no classification provided. Collection method: in vitro. Allele origin: not applicable. Functional consequence: retained intron. Not counted in ClinVar's aggregate classification.

Dr. Peter K. Rogan Lab, Western University
No classification provided (evidence only). Condition: Uterine carcinosarcoma. Review status: no classification provided. Collection method: in vitro. Allele origin: not applicable. Functional consequence: retained intron. Not counted in ClinVar's aggregate classification.

Dr. Peter K. Rogan Lab, Western University
No classification provided (evidence only). Condition: Uterine carcinosarcoma. Review status: no classification provided. Collection method: in vitro. Allele origin: not applicable. Functional consequence: retained intron. Not counted in ClinVar's aggregate classification.

Dr. Peter K. Rogan Lab, Western University
No classification provided (evidence only). Condition: Uterine carcinosarcoma. Review status: no classification provided. Collection method: in vitro. Allele origin: not applicable. Functional consequence: retained intron. Not counted in ClinVar's aggregate classification.

Dr. Peter K. Rogan Lab, Western University
No classification provided (evidence only). Condition: Uveal melanoma. Review status: no classification provided. Collection method: in vitro. Allele origin: not applicable. Functional consequence: retained intron. Not counted in ClinVar's aggregate classification.